The following is an entry in ClinVar:

ClinVar aggregate classification (germline): Pathogenic (1 of 4 stars; one submission).

Conditions:
Cystinosis. Also called: Cystine diathesis; Cystine storage disease; Cystinoses. Identifiers: Orphanet 213, MedGen C4316899, MONDO:0016239.

Submission:

Myriad Genetics, Inc.
Classification: Pathogenic for Cystinosis. Last evaluated: 2024-08-15. Review status: criteria provided, single submitter. Criteria: Myriad Autosomal Dominant, Autosomal Recessive and X-Linked Classification Criteria (2023). Collection method: clinical testing. Allele origin: unknown.
Comment: NM_004937.2(CTNS):c.704G>A(W235*) is expected to be pathogenic in the context of cystinosis. This variant is predicted to lead to an abnormal or absent protein product due to the creation of a premature termination codon in CTNS, a gene where loss-of-function variants are known to be pathogenic. Please note: this variant was assessed in the context of healthy population screening.

NM_004937.3(CTNS):c.704G>A (p.Trp235Ter)

Gene: CTNS (cystinosin, lysosomal cystine transporter; plus strand). Cytogenetic location: 17p13.2.
Variant type: single nucleotide variant.
Coding change: c.704G>A on transcript NM_004937.3 (MANE Select); coding-DNA position 704, G replaced by A.
Protein change: p.Trp235Ter; replaces tryptophan 235 with a stop codon.
Molecular consequence: nonsense.
Genome position (GRCh38, 1-based): chr17:3,658,027, G>A. VCF-style: chr17-3658027-G-A. GRCh37 (hg19) VCF-style: chr17-3561321-G-A.
Other names: c.704G>A, p.Trp235Ter (NM_001031681.3, NM_001374492.1); c.263G>A, p.Trp88Ter (NM_001374493.1, NM_001374494.1, NM_001374495.1 and 1 more transcripts); short protein forms W235*, W88*.
Identifiers: ClinVar variation 5016099 (VCV005016099.1).